The following is an entry in ClinVar:

NM_000308.4(CTSA):c.948+5G>A

Gene: CTSA (cathepsin A; plus strand). Cytogenetic location: 20q13.12.
Variant type: single nucleotide variant.
Coding change: c.948+5G>A on transcript NM_000308.4 (MANE Select); 5 bases into the intron after coding-DNA position 948, G replaced by A.
Molecular consequence: intron variant.
Genome position (GRCh38, 1-based): chr20:45,894,906, G>A. VCF-style: chr20-45894906-G-A. GRCh37 (hg19) VCF-style: chr20-44523545-G-A.
Other names: c.948+5G>A (NM_001127695.3); c.897+5G>A (NM_001167594.3).
Identifiers: ClinVar variation 954966 (VCV000954966.8), dbSNP rs201180372, ClinGen allele CA9883204.

ClinVar aggregate classification (germline): Uncertain significance. Review status: criteria provided, multiple submitters, no conflicts (2 of 4 stars). 3 submissions from 3 submitters: Uncertain significance (3). Last evaluated 2026-02-14.

Conditions:
Combined deficiency of sialidase AND beta galactosidase (GSL). Also called: CATHEPSIN A DEFICIENCY; GOLDBERG SYNDROME; NEURAMINIDASE DEFICIENCY WITH BETA-GALACTOSIDASE DEFICIENCY; NEURAMINIDASE/BETA-GALACTOSIDASE EXPRESSION; PPCA DEFICIENCY; PROTECTIVE PROTEIN/CATHEPSIN A DEFICIENCY. Identifiers: Orphanet 351, MedGen C0268233, MONDO:0009737, OMIM 256540.

Allele frequency attached by ClinVar (database versions not stated): gnomAD exomes 0.00002 and 0.00004; ExAC 0.00006; gnomAD 0.00009 and 0.00011; 1000 Genomes Project 30x 0.00016; TOPMed 0.00018; 1000 Genomes Project 0.00020; ESP Exome Variant Server 0.00031.

Submissions (3):

Women's Health and Genetics/Laboratory Corporation of America, LabCorp
Classification: Uncertain significance. Last evaluated: 2026-02-14. Review status: criteria provided, single submitter. Criteria: LabCorp Variant Classification Summary - May 2015. Collection method: clinical testing. Allele origin: germline.

Labcorp Genetics (formerly Invitae), Labcorp
Classification: Uncertain significance for Combined deficiency of sialidase AND beta galactosidase. Last evaluated: 2024-11-05. Review status: criteria provided, single submitter. Criteria: Invitae Variant Classification Sherloc (09022015). Collection method: clinical testing. Allele origin: germline.
Comment: This sequence change falls in intron 10 of the CTSA gene. It does not directly change the encoded amino acid sequence of the CTSA protein. It affects a nucleotide within the consensus splice site. This variant is present in population databases (rs201180372, gnomAD 0.03%). This variant has not been reported in the literature in individuals affected with CTSA-related conditions. ClinVar contains an entry for this variant (Variation ID: 954966). Variants that disrupt the consensus splice site are a relatively common cause of aberrant splicing (PMID: 17576681, 9536098). Algorithms developed to predict the effect of sequence changes on RNA splicing suggest that this variant may disrupt the consensus splice site. In summary, the available evidence is currently insufficient to determine the role of this variant in disease. Therefore, it has been classified as a Variant of Uncertain Significance.

Breakthrough Genomics
Classification: Uncertain significance. Review status: criteria provided, single submitter. Criteria: ACMG Guidelines, 2015. Collection method: not provided. Allele origin: germline. Inheritance: Autosomal dominant inheritance. Affected: yes.

Literature cited by the submitters: PubMed 17576681 (cited by Labcorp Genetics (formerly Invitae), Labcorp); PubMed 9536098 (cited by Labcorp Genetics (formerly Invitae), Labcorp).